The following is an entry in ClinVar:

ClinVar aggregate classification (germline): Likely pathogenic (1 of 4 stars; one submission).

Submission:

Clinical Genomics Laboratory, Laboratory for Precision Diagnostics, University of Washington
Classification: Likely pathogenic. Last evaluated: 2019-08-26. Review status: criteria provided, single submitter. Criteria: Clinical Cytogenomics Laboratory Policy on CNV Interpretation. Collection method: clinical testing. Allele origin: unknown. Affected: yes. Observed: 1 variant allele.
Comment: With reduced penetrance

Literature cited by the submitters: PubMed 22140086; PubMed 21739574; PubMed 20132918; PubMed 21355048; PubMed 28690489; PubMed 24038936.

GRCh37/hg19 Xp22.31(chrX:6450700-8138035)x2

Genes: PNPLA4 (patatin like domain 4, phospholipase and triacylglycerol lipase; minus strand), PUDP (pseudouridine 5'-phosphatase; minus strand), STS (steroid sulfatase; plus strand), VCX (variable charge X-linked; plus strand), VCX2 (variable charge X-linked 2; minus strand) and 1 more. Cytogenetic location: Xp22.31.
Variant type: copy number gain.
Change: copy number 2 of chrX:6,450,700-8,138,035 (1.69 Mb, GRCh37 coordinates, 1-based), cytogenetic band Xp22.31.
Identifiers: ClinVar variation 929313 (VCV000929313.2).